The following is an entry in ClinVar:

ClinVar aggregate classification (germline): Likely benign. Review status: criteria provided, multiple submitters, no conflicts (2 of 4 stars). 2 submissions from 2 submitters: Likely benign (2). Last evaluated 2025-11-24.

Conditions:
TPO-related disorder. Also called: TPO-related condition.

Allele frequency attached by ClinVar (database versions not stated): TOPMed 0.00007; ESP Exome Variant Server 0.00008; gnomAD exomes 0.00008; ExAC 0.00011; gnomAD 0.00011.
gnomAD v4.1: 133 of 1,614,106 alleles (0.0082%); highest among the groups gnomAD compares: African/African-American, 0.0067%; 1 homozygote.

Submissions (2):

Labcorp Genetics (formerly Invitae), Labcorp
Classification: Likely benign. Last evaluated: 2025-11-24. Review status: criteria provided, single submitter. Criteria: Invitae Variant Classification Sherloc (09022015). Collection method: clinical testing. Allele origin: germline.

PreventionGenetics, part of Exact Sciences
Classification: Likely benign for TPO-related condition. Last evaluated: 2025-07-01. Review status: criteria provided, single submitter. Criteria: ACMG Guidelines, 2015. Collection method: clinical testing. Allele origin: germline.
Comment: This variant is classified as likely benign based on ACMG/AMP sequence variant interpretation guidelines (Richards et al. 2015 PMID: 25741868, with internal and published modifications).

NM_001206744.2(TPO):c.2146G>A (p.Glu716Lys)

Genes: LALTOP (lung cancer associated lncRNA targeting TOP2A; minus strand), TPO (thyroid peroxidase; plus strand). Cytogenetic location: 2p25.3.
Variant type: single nucleotide variant.
Coding change: c.2146G>A on transcript NM_001206744.2 (MANE Select); coding-DNA position 2146, G replaced by A.
Protein change: p.Glu716Lys; replaces glutamic acid 716 with lysine.
Molecular consequence: missense variant.
Genome position (GRCh38, 1-based): chr2:1,496,128, G>A. VCF-style: chr2-1496128-G-A. GRCh37 (hg19) VCF-style: chr2-1499900-G-A.
Other names: c.2146G>A (NM_000547.5); c.2146G>A, p.Glu716Lys (NM_000547.6, NM_175721.3); c.1975G>A, p.Glu659Lys (NM_001206745.2, NM_175719.4); c.1627G>A, p.Glu543Lys (NM_175722.3); short protein forms E659K, E543K, E716K.
Identifiers: ClinVar variation 2913841 (VCV002913841.4), dbSNP rs138891531, ClinGen allele CA1511962.